The following is an entry in ClinVar:

ClinVar aggregate classification (germline): Benign. Review status: criteria provided, multiple submitters, no conflicts (2 of 4 stars). 9 submissions from 9 submitters: Benign (7). 2 of the submissions do not count toward it. Last evaluated 2026-02-04.

Conditions:
Fraser syndrome 1 (FRASRS1). Also called: CRYPTOPHTHALMOS WITH OTHER MALFORMATIONS. Identifiers: Orphanet 2052, MedGen C4551480, MONDO:0054737, OMIM 219000.

Allele frequency attached by ClinVar (database versions not stated): 1000 Genomes Project 30x 0.50890; 1000 Genomes Project 0.51098; gnomAD 0.51866 and 0.52117; gnomAD exomes 0.52080 and 0.54644; TOPMed 0.52152; ESP Exome Variant Server 0.53689; ExAC 0.54709.
gnomAD v4.1: 874,198 of 1,606,372 alleles (54%); highest among the groups gnomAD compares: Middle Eastern, 61%; 239,713 homozygotes.

Submissions (9):

Labcorp Genetics (formerly Invitae), Labcorp
Classification: Benign. Last evaluated: 2026-02-04. Review status: criteria provided, single submitter. Criteria: Invitae Variant Classification Sherloc (09022015). Collection method: clinical testing. Allele origin: germline.

Blueprint Genetics
Classification: Benign. Last evaluated: 2024-11-26. Review status: criteria provided, single submitter. Criteria: ACMG Guidelines, 2015. Collection method: clinical testing. Allele origin: germline.

Mayo Clinic Laboratories, Mayo Clinic
Classification: Benign. Last evaluated: 2022-03-09. Review status: criteria provided, single submitter. Criteria: ACMG Guidelines, 2015. Collection method: clinical testing. Allele origin: germline. Observed: 60 variant alleles.

Genome-Nilou Lab
Classification: Benign for Fraser syndrome 1. Last evaluated: 2021-08-10. Review status: criteria provided, single submitter. Criteria: ACMG Guidelines, 2015. Collection method: clinical testing. Allele origin: germline. Affected: no.

Illumina Laboratory Services, Illumina
Classification: Benign for Fraser syndrome 1. Last evaluated: 2018-01-13. Review status: criteria provided, single submitter. Criteria: ICSL Variant Classification Criteria 13 December 2019. Collection method: clinical testing. Allele origin: germline.
Comment: This variant was observed in the ICSL laboratory as part of a predisposition screen in an ostensibly healthy population. It had not been previously curated by ICSL or reported in the Human Gene Mutation Database (HGMD: prior to June 1st, 2018), and was therefore a candidate for classification through an automated scoring system. Utilizing variant allele frequency, disease prevalence and penetrance estimates, and inheritance mode, an automated score was calculated to assess if this variant is too frequent to cause the disease. Based on the score and internal cut-off values, a variant classified as benign is not then subjected to further curation. The score for this variant resulted in a classification of benign for this disease.

Breakthrough Genomics
Classification: Benign. Review status: criteria provided, single submitter. Criteria: ACMG Guidelines, 2015. Collection method: not provided. Allele origin: germline. Inheritance: Autosomal recessive inheritance. Affected: yes.

PreventionGenetics, part of Exact Sciences
Classification: Benign. Review status: criteria provided, single submitter. Criteria: ACMG Guidelines, 2015. Collection method: clinical testing. Allele origin: germline.

Diagnostic Laboratory, Department of Genetics, University Medical Center Groningen
Classification: Benign for Fraser syndrome 1. Review status: no assertion criteria provided. Collection method: clinical testing. Allele origin: germline. Affected: yes. Study: VKGL Data-share Consensus. Not counted in ClinVar's aggregate classification.

Genome Diagnostics Laboratory, University Medical Center Utrecht
Classification: Benign. Review status: no assertion criteria provided. Collection method: clinical testing. Allele origin: germline. Affected: yes. Study: VKGL Data-share Consensus. Not counted in ClinVar's aggregate classification.

NM_025074.7(FRAS1):c.10696G>A (p.Val3566Ile)

Gene: FRAS1 (Fraser extracellular matrix complex subunit 1; plus strand). Cytogenetic location: 4q21.21.
Variant type: single nucleotide variant.
Coding change: c.10696G>A on transcript NM_025074.7 (MANE Select); coding-DNA position 10696, G replaced by A.
Protein change: p.Val3566Ile; replaces valine 3566 with isoleucine.
Molecular consequence: missense variant.
Genome position (GRCh38, 1-based): chr4:78,522,696, G>A. VCF-style: chr4-78522696-G-A. GRCh37 (hg19) VCF-style: chr4-79443850-G-A.
Other names: p.Val3566Ile; short protein forms V3566I.
Identifiers: ClinVar variation 261798 (VCV000261798.18), dbSNP rs931606, ClinGen allele CA2979050.